The following is an entry in ClinVar:

NM_007186.6(CEP250):c.4941G>C (p.Glu1647Asp)

Gene: CEP250 (centrosomal protein 250; plus strand). Cytogenetic location: 20q11.22.
Variant type: single nucleotide variant.
Coding change: c.4941G>C on transcript NM_007186.6 (MANE Select); coding-DNA position 4941, G replaced by C.
Protein change: p.Glu1647Asp; replaces glutamic acid 1647 with aspartic acid.
Molecular consequence: missense variant.
Genome position (GRCh38, 1-based): chr20:35,503,310, G>C. VCF-style: chr20-35503310-G-C. GRCh37 (hg19) VCF-style: chr20-34091138-G-C.
Other names: c.3045G>C, p.Glu1015Asp (NM_001318219.1); short protein forms E1015D, E1647D.
Identifiers: ClinVar variation 2052868 (VCV002052868.4), dbSNP rs2516247387, ClinGen allele CA408750002.

ClinVar aggregate classification (germline): Uncertain significance (1 of 4 stars; one submission).

Submission:

Labcorp Genetics (formerly Invitae), Labcorp
Classification: Uncertain significance. Last evaluated: 2021-12-29. Review status: criteria provided, single submitter. Criteria: Invitae Variant Classification Sherloc (09022015). Collection method: clinical testing. Allele origin: germline.
Comment: In summary, the available evidence is currently insufficient to determine the role of this variant in disease. Therefore, it has been classified as a Variant of Uncertain Significance. Algorithms developed to predict the effect of missense changes on protein structure and function output the following: SIFT: "Not Available"; PolyPhen-2: "Benign"; Align-GVGD: "Not Available". The aspartic acid amino acid residue is found in multiple mammalian species, which suggests that this missense change does not adversely affect protein function. This variant has not been reported in the literature in individuals affected with CEP250-related conditions. This variant is not present in population databases (gnomAD no frequency). This sequence change replaces glutamic acid, which is acidic and polar, with aspartic acid, which is acidic and polar, at codon 1647 of the CEP250 protein (p.Glu1647Asp).